The following is an entry in ClinVar:

ClinVar aggregate classification (germline): Likely pathogenic (1 of 4 stars; one submission).

Conditions:
Congenital myasthenic syndrome 11. Also called: MYASTHENIC SYNDROME, CONGENITAL, Ie; Myasthenic syndrome, congenital, 11, associated with acetylcholine receptor deficiency. Identifiers: Orphanet 590, MedGen C4225367, MONDO:0014588, OMIM 616326.
Fetal akinesia deformation sequence 1 (FADS1). Also called: Pena-Shokeir syndrome type I; Fetal akinesia sequence. Identifiers: Orphanet 994, MedGen C1276035, MONDO:0100101, OMIM 208150, HP:0001989.

Submission:

Labcorp Genetics (formerly Invitae), Labcorp
Classification: Likely pathogenic for Congenital myasthenic syndrome 11; Fetal akinesia deformation sequence 1. Last evaluated: 2023-12-19. Review status: criteria provided, single submitter. Criteria: Invitae Variant Classification Sherloc (09022015). Collection method: clinical testing. Allele origin: germline.
Comment: This sequence change affects an acceptor splice site in intron 3 of the RAPSN gene. It is expected to disrupt RNA splicing. Variants that disrupt the donor or acceptor splice site typically lead to a loss of protein function (PMID: 16199547), and loss-of-function variants in RAPSN are known to be pathogenic (PMID: 17686188). This variant is not present in population databases (gnomAD no frequency). Disruption of this splice site has been observed in individual(s) with congenital myasthenic syndrome (PMID: 12807980). Algorithms developed to predict the effect of sequence changes on RNA splicing suggest that this variant may disrupt the consensus splice site. In summary, the currently available evidence indicates that the variant is pathogenic, but additional data are needed to prove that conclusively. Therefore, this variant has been classified as Likely Pathogenic.

Literature cited by the submitters: PubMed 16199547; PubMed 17686188; PubMed 12807980.

NM_005055.5(RAPSN):c.691-1G>A

Gene: RAPSN (receptor associated protein of the synapse; minus strand). Cytogenetic location: 11p11.2.
Variant type: single nucleotide variant.
Coding change: c.691-1G>A on transcript NM_005055.5 (MANE Select); the canonical splice acceptor site of the intron before coding-DNA position 691, G replaced by A.
Molecular consequence: splice acceptor variant.
Genome position (GRCh38, 1-based): chr11:47,441,922, C>T on the plus strand (G>A on the coding strand, the complement: RAPSN is on the minus strand). VCF-style: chr11-47441922-C-T. GRCh37 (hg19) VCF-style: chr11-47463474-C-T.
Other names: c.691-1G>A (NM_032645.5).
Identifiers: ClinVar variation 2921516 (VCV002921516.3), dbSNP rs2076368824, ClinGen allele CA380330635.